The following is an entry in ClinVar:

ClinVar aggregate classification (germline): Uncertain significance (0 of 4 stars; one submission).

Allele frequency attached by ClinVar (database versions not stated): TOPMed below 0.00001; gnomAD 0.00002; ExAC 0.00003.
gnomAD v4.1: 53 of 1,612,810 alleles (0.0033%); highest among the groups gnomAD compares: Non-Finnish European, 0.0042%; no homozygotes.

Submission:

Department of Pathology and Laboratory Medicine, Sinai Health System
Classification: Uncertain significance. Review status: no assertion criteria provided. Collection method: clinical testing. Allele origin: unknown. Affected: yes. Study: The Canadian Open Genetics Repository (COGR).
Comment: The HGF p.N77D variant was not identified in the literature nor was it identified in ClinVar, Cosmic, or LOVD 3.0. The variant was identified in dbSNP (ID: rs765051974) and in control databases in 6 of 251246 chromosomes at a frequency of 0.000024 (Genome Aggregation Database March 6, 2019, v2.1.1). The variant was observed in the following populations: Other in 1 of 6126 chromosomes (freq: 0.000163), African in 1 of 16248 chromosomes (freq: 0.000062) and European (non-Finnish) in 4 of 113586 chromosomes (freq: 0.000035), but was not observed in the Latino, Ashkenazi Jewish, East Asian, European (Finnish) or South Asian populations. The p.Asn77 residue is conserved in mammals and computational analyses (PolyPhen-2, SIFT, AlignGVGD, BLOSUM, MutationTaster) provide inconsistent predictions regarding the impact to the protein; this information is not very predictive of pathogenicity. The variant occurs outside of the splicing consensus sequence and in silico or computational prediction software programs (SpliceSiteFinder, MaxEntScan, NNSPLICE, GeneSplicer) do not predict a difference in splicing. In summary, based on the above information the clinical significance of this variant cannot be determined with certainty at this time. This variant is classified as a variant of uncertain significance.

NM_000601.6(HGF):c.229A>G (p.Asn77Asp)

Gene: HGF (hepatocyte growth factor; minus strand). Cytogenetic location: 7q21.11.
Variant type: single nucleotide variant.
Coding change: c.229A>G on transcript NM_000601.6 (MANE Select); coding-DNA position 229, A replaced by G.
Protein change: p.Asn77Asp; replaces asparagine 77 with aspartic acid.
Molecular consequence: missense variant.
Genome position (GRCh38, 1-based): chr7:81,762,732, T>C on the plus strand (A>G on the coding strand, the complement: HGF is on the minus strand). VCF-style: chr7-81762732-T-C. GRCh37 (hg19) VCF-style: chr7-81392048-T-C.
Other names: c.229A>G, p.Asn77Asp (NM_001010931.3, NM_001010932.3, NM_001010933.3 and 1 more transcripts); short protein forms N77D.
Identifiers: ClinVar variation 1049307 (VCV001049307.1), dbSNP rs765051974, ClinGen allele CA4317256.
Genomic context (GRCh38, chr7:81,762,732, plus strand): 5'-GAAAATTATTCTAAGAAGAAAATGAAGTAACTTACTTGCAAGTGAATGGAAGTCCTTTAT[T>C]CCTAGTACATCTATTAGCACATTGGTCTGCAGTATTCACTTTTTTGGTTTTTATCTTCAG-3'
Protein context (NP_000592.3, residues 67-87): ADQCANRCTR[Asn77Asp]KGLPFTCKAF